The following is an entry in ClinVar:

ClinVar aggregate classification (germline): Uncertain significance (1 of 4 stars; one submission).

Conditions:
Intellectual developmental disorder with autism and macrocephaly. Also called: Autism, susceptibility to, 18; CHD8-Related Neurodevelopmental Disorder with Overgrowth. Identifiers: Orphanet 642675, MedGen C3554373, MONDO:0014017, OMIM 615032.

Submission:

MVZ Medizinische Genetik Mainz
Classification: Uncertain significance for Intellectual developmental disorder with autism and macrocephaly. Last evaluated: 2026-09-24. Review status: criteria provided, single submitter. Criteria: UK Practice Guidelines For Variant Classification V4 01 2020. Collection method: clinical testing. Allele origin: germline. Inheritance: Autosomal dominant inheritance. Affected: yes. Observed: 1 variant allele.
Comment: ACMG Criteria: PP3_MOD,PM1_SUP,PM2_SUP

NM_001170629.2(CHD8):c.3634G>A (p.Gly1212Ser)

Gene: CHD8 (chromodomain helicase DNA binding protein 8; minus strand). Cytogenetic location: 14q11.2.
Variant type: single nucleotide variant.
Coding change: c.3634G>A on transcript NM_001170629.2 (MANE Select); coding-DNA position 3634, G replaced by A.
Protein change: p.Gly1212Ser; replaces glycine 1212 with serine.
Molecular consequence: missense variant.
Genome position (GRCh38, 1-based): chr14:21,403,097, C>T on the plus strand (G>A on the coding strand, the complement: CHD8 is on the minus strand). VCF-style: chr14-21403097-C-T. GRCh37 (hg19) VCF-style: chr14-21871256-C-T.
Other names: c.2797G>A, p.Gly933Ser (NM_020920.4); short protein forms G1212S, G933S.
Identifiers: ClinVar variation 5038161 (VCV005038161.1).